The following is an entry in ClinVar:

NM_152384.3(BBS5):c.18G>C (p.Ala6=)

Genes: BBS5 (Bardet-Biedl syndrome 5; plus strand), LOC129935068 (ATAC-STARR-seq lymphoblastoid active region 16738; plus strand). Cytogenetic location: 2q31.1.
Variant type: single nucleotide variant.
Coding change: c.18G>C on transcript NM_152384.3 (MANE Select); coding-DNA position 18, G replaced by C.
Protein change: p.Ala6=; no amino-acid change (alanine 6 retained).
Molecular consequence: synonymous variant.
Genome position (GRCh38, 1-based): chr2:169,479,571, G>C. VCF-style: chr2-169479571-G-C. GRCh37 (hg19) VCF-style: chr2-170336081-G-C.
Identifiers: ClinVar variation 772253 (VCV000772253.12), dbSNP rs202051938, ClinGen allele CA1956070.
Genomic context (GRCh38, chr2:169,479,571, plus strand): 5'-CCTGCACGGCTGTGGAGAGATCCTGCCACGGGCCTTGTTCACCATGTCGGTGCTGGATGC[G>C]CTTTGGGAGGATCGGGATGTCCGTTTCGACCTGTCCGCGCAGTGAGTTTCCAAGATTCCC-3'
Protein context (NP_689597.1, residues 1-16): MSVLD[Ala6=]LWEDRDVRFD

ClinVar aggregate classification (germline): Likely benign. Review status: criteria provided, single submitter (1 of 4 stars). 2 submissions from 2 submitters: Likely benign (1). 1 of the submissions does not count toward it. Last evaluated 2024-05-09.

Conditions:
Bardet-Biedl syndrome (BBS). Identifiers: Orphanet 110, MedGen C0752166, MONDO:0015229.
BBS5-related disorder. Also called: BBS5-related condition.

Allele frequency attached by ClinVar (database versions not stated): gnomAD 0.00001; TOPMed 0.00005.
gnomAD v4.1: 2 of 1,614,084 alleles (0.00012%); highest among the groups gnomAD compares: African/African-American, 0.0027%; no homozygotes.

Submissions (2):

Labcorp Genetics (formerly Invitae), Labcorp
Classification: Likely benign for Bardet-Biedl syndrome. Last evaluated: 2024-05-09. Review status: criteria provided, single submitter. Criteria: Invitae Variant Classification Sherloc (09022015). Collection method: clinical testing. Allele origin: germline.

PreventionGenetics, part of Exact Sciences
Classification: Likely benign for BBS5-related condition. Last evaluated: 2021-08-10. Review status: no assertion criteria provided. Collection method: clinical testing. Allele origin: germline. Not counted in ClinVar's aggregate classification.
Comment: This variant is classified as likely benign based on ACMG/AMP sequence variant interpretation guidelines (Richards et al. 2015 PMID: 25741868, with internal and published modifications).